The following is an entry in ClinVar:

NM_001080467.3(MYO5B):c.1323-10C>T

Gene: MYO5B (myosin VB; minus strand). Cytogenetic location: 18q21.1.
Variant type: single nucleotide variant.
Coding change: c.1323-10C>T on transcript NM_001080467.3 (MANE Select); 10 bases into the intron before coding-DNA position 1323, C replaced by T.
Molecular consequence: intron variant.
Genome position (GRCh38, 1-based): chr18:49,963,040, G>A on the plus strand (C>T on the coding strand, the complement: MYO5B is on the minus strand). VCF-style: chr18-49963040-G-A. GRCh37 (hg19) VCF-style: chr18-47489410-G-A.
Other names: p.?.
Identifiers: ClinVar variation 327064 (VCV000327064.16), dbSNP rs16951326, ClinGen allele CA8961561.

ClinVar aggregate classification (germline): Benign. Review status: criteria provided, multiple submitters, no conflicts (2 of 4 stars). 3 submissions from 3 submitters: Benign (3). Last evaluated 2026-02-01.

Conditions:
Congenital microvillous atrophy (DIAR2). Also called: DAVIDSON DISEASE; MICROVILLUS ATROPHY, CONGENITAL; Microvillus inclusion disease; Diarrhea 2 with microvillus atrophy, with or without cholestasis; CONGENITAL FAMILIAL PROTRACTED DIARRHEA WITH ENTEROCYTE BRUSH-BORDER ABNORMALITIES. Identifiers: Orphanet 2290, MedGen C0341306, MONDO:0009635, OMIM 251850.

Allele frequency attached by ClinVar (database versions not stated): gnomAD exomes 0.00179 and 0.00468; ExAC 0.00577; ESP Exome Variant Server 0.01803; gnomAD 0.01815 and 0.01937; TOPMed 0.02070; 1000 Genomes Project 30x 0.02295; 1000 Genomes Project 0.02376.
gnomAD v4.1: 5,493 of 1,610,452 alleles (0.34%); highest among the groups gnomAD compares: African/African-American, 6.5%; 163 homozygotes.

Submissions (3):

Labcorp Genetics (formerly Invitae), Labcorp
Classification: Benign. Last evaluated: 2026-02-01. Review status: criteria provided, single submitter. Criteria: Invitae Variant Classification Sherloc (09022015). Collection method: clinical testing. Allele origin: germline.

Mayo Clinic Laboratories, Mayo Clinic
Classification: Benign. Last evaluated: 2024-09-26. Review status: criteria provided, single submitter. Criteria: ACMG Guidelines, 2015. Collection method: clinical testing. Allele origin: germline. Observed: 1 variant allele.

Illumina Laboratory Services, Illumina
Classification: Benign for Congenital microvillous atrophy. Last evaluated: 2018-01-13. Review status: criteria provided, single submitter. Criteria: ICSL Variant Classification Criteria 13 December 2019. Collection method: clinical testing. Allele origin: germline.
Comment: This variant was observed in the ICSL laboratory as part of a predisposition screen in an ostensibly healthy population. It had not been previously curated by ICSL or reported in the Human Gene Mutation Database (HGMD: prior to June 1st, 2018), and was therefore a candidate for classification through an automated scoring system. Utilizing variant allele frequency, disease prevalence and penetrance estimates, and inheritance mode, an automated score was calculated to assess if this variant is too frequent to cause the disease. Based on the score and internal cut-off values, a variant classified as benign is not then subjected to further curation. The score for this variant resulted in a classification of benign for this disease.